The following is an entry in ClinVar:

ClinVar aggregate classification (germline): Pathogenic (1 of 4 stars; one submission).

Conditions:
Developmental and epileptic encephalopathy, 53. Also called: Epileptic encephalopathy, early infantile, 53. Identifiers: MedGen C4479313, MONDO:0033362, OMIM 617389.
Early-onset Parkinson disease 20. Also called: PARKINSON DISEASE 20, AUTOSOMAL RECESSIVE EARLY-ONSET. Identifiers: Orphanet 391411, MedGen C3809824, MONDO:0014233, OMIM 615530.

Submission:

Labcorp Genetics (formerly Invitae), Labcorp
Classification: Pathogenic for Developmental and epileptic encephalopathy, 53; Early-onset Parkinson disease 20. Last evaluated: 2022-07-22. Review status: criteria provided, single submitter. Criteria: Invitae Variant Classification Sherloc (09022015). Collection method: clinical testing. Allele origin: germline.
Comment: This variant has not been reported in the literature in individuals affected with SYNJ1-related conditions. For these reasons, this variant has been classified as Pathogenic. This variant is not present in population databases (gnomAD no frequency). This sequence change creates a premature translational stop signal (p.Ile1005Cysfs*21) in the SYNJ1 gene. It is expected to result in an absent or disrupted protein product. Loss-of-function variants in SYNJ1 are known to be pathogenic (PMID: 25316601, 27435091).

Literature cited by the submitters: PubMed 25316601; PubMed 27435091.

NM_203446.3(SYNJ1):c.2896_2897del (p.Ile966fs)

Gene: SYNJ1 (synaptojanin 1; minus strand). Cytogenetic location: 21q22.11.
Variant type: Deletion.
Coding change: c.2896_2897del on transcript NM_203446.3 (MANE Select); coding-DNA positions 2896 to 2897, 2 bases deleted (AT; older notation c.2896_2897delAT).
Protein change: p.Ile966fs; shifts the reading frame from isoleucine 966.
Molecular consequence: frameshift variant.
Genome position (GRCh38, 1-based): chr21:32,650,324-32,650,325, AT deleted on the plus strand (AT on the coding strand, the reverse complement: SYNJ1 is on the minus strand); deleting any 2 consecutive bases within chr21:32,650,324-32,650,326 gives the same sequence; the c. name uses the placement nearest the transcript's 3' end. VCF-style (leftmost placement, unchanged base first): chr21-32650323-AAT-A. GRCh37 (hg19) VCF-style: chr21-34022633-AAT-A.
Other names: c.2895_2896delTA, p.Ile966Cysfs (NM_001160302.2); c.2881_2882del, p.Ile961fs (NM_001160306.2); c.3012_3013delTA, p.Ile1005Cysfs (NM_003895.4); short protein forms I961fs, I1005fs, I966fs.
Identifiers: ClinVar variation 2122161 (VCV002122161.4), dbSNP rs2517473941, ClinGen allele CA2580098575.